The following is an entry in ClinVar:

ClinVar aggregate classification (germline): Uncertain significance. Review status: criteria provided, multiple submitters, no conflicts (2 of 4 stars). 2 submissions from 2 submitters: Uncertain significance (2). Last evaluated 2024-07-11.

Conditions:
Hereditary cancer-predisposing syndrome. Also called: Hereditary neoplastic syndrome; Hereditary Cancer Syndrome; Neoplastic Syndromes, Hereditary; Tumor predisposition. Identifiers: Orphanet 140162, MedGen C0027672, MeSH D009386, MONDO:0015356.
Neuroblastoma, susceptibility to, 3. Also called: ALK-Related Neuroblastic Tumor Susceptibility. Identifiers: Orphanet 635, MedGen C2751681, MONDO:0013083, OMIM 613014.

gnomAD v4.1: 1 of 1,614,074 alleles (0.000062%); highest among the groups gnomAD compares: South Asian, 0.0011%; no homozygotes.

Submissions (2):

Ambry Genetics
Classification: Uncertain significance for Hereditary cancer-predisposing syndrome. Last evaluated: 2024-07-11. Review status: criteria provided, single submitter. Criteria: Ambry Variant Classification Scheme 2023. Collection method: clinical testing. Allele origin: germline.
Comment: The p.I1022N variant (also known as c.3065T>A), located in coding exon 18 of the ALK gene, results from a T to A substitution at nucleotide position 3065. The isoleucine at codon 1022 is replaced by asparagine, an amino acid with dissimilar properties. This amino acid position is conserved. In addition, this alteration is predicted to be tolerated by in silico analysis. Based on the available evidence, the clinical significance of this variant remains unclear.

Labcorp Genetics (formerly Invitae), Labcorp
Classification: Uncertain significance for Neuroblastoma, susceptibility to, 3. Last evaluated: 2023-05-14. Review status: criteria provided, single submitter. Criteria: Invitae Variant Classification Sherloc (09022015). Collection method: clinical testing. Allele origin: germline.
Comment: This variant is present in population databases (rs778643763, gnomAD 0.003%). This sequence change replaces isoleucine, which is neutral and non-polar, with asparagine, which is neutral and polar, at codon 1022 of the ALK protein (p.Ile1022Asn). This variant has not been reported in the literature in individuals affected with ALK-related conditions. An algorithm developed to predict the effect of missense changes on protein structure and function (PolyPhen-2) suggests that this variant is likely to be tolerated. In summary, the available evidence is currently insufficient to determine the role of this variant in disease. Therefore, it has been classified as a Variant of Uncertain Significance.

NM_004304.5(ALK):c.3065T>A (p.Ile1022Asn)

Gene: ALK (ALK receptor tyrosine kinase; minus strand). Cytogenetic location: 2p23.2.
Variant type: single nucleotide variant.
Coding change: c.3065T>A on transcript NM_004304.5 (MANE Select); coding-DNA position 3065, T replaced by A.
Protein change: p.Ile1022Asn; replaces isoleucine 1022 with asparagine.
Molecular consequence: missense variant.
Genome position (GRCh38, 1-based): chr2:29,226,924, A>T on the plus strand (T>A on the coding strand, the complement: ALK is on the minus strand). VCF-style: chr2-29226924-A-T. GRCh37 (hg19) VCF-style: chr2-29449790-A-T.
Other names: c.3065T>A (NM_004304.4); short protein forms I1022N.
Identifiers: ClinVar variation 2864174 (VCV002864174.4), dbSNP rs778643763, ClinGen allele CA1594104.
Genomic context (GRCh38, chr2:29,226,924, plus strand): 5'-TCATGGGCCAAATCTCAGGCTATGGGCCCCTCTGCCTCCCCTGGCCCTGCCCCCTTACCA[A>T]TGCAGGAGACGCCATCCTCAGCCAGCACCGTCCCGTGGTCACAGAAGCAGATGACCTTGT-3'
Protein context (NP_004295.2, residues 1012-1032): TVLAEDGVSC[Ile1022Asn]VSPTPEPHLP